The following is an entry in ClinVar:

ClinVar aggregate classification (germline): Uncertain significance (1 of 4 stars; one submission).

Conditions:
Microcephaly-intellectual disability-sensorineural hearing loss-epilepsy-abnormal muscle tone syndrome (NEDHSB). Also called: NEURODEVELOPMENTAL DISORDER WITH HEARING LOSS, SEIZURES, AND BRAIN ABNORMALITIES. Identifiers: Orphanet 457351, MedGen C4225276, MONDO:0014698, OMIM 616577.

Allele frequency attached by ClinVar (database versions not stated): gnomAD exomes below 0.00001; ExAC 0.00001; gnomAD 0.00001; TOPMed 0.00001; ESP Exome Variant Server 0.00008.
gnomAD v4.1: 3 of 1,596,370 alleles (0.00019%); highest among the groups gnomAD compares: Non-Finnish European, 0.00026%; no homozygotes.

Submission:

Labcorp Genetics (formerly Invitae), Labcorp
Classification: Uncertain significance for Microcephaly-intellectual disability-sensorineural hearing loss-epilepsy-abnormal muscle tone syndrome. Last evaluated: 2019-12-27. Review status: criteria provided, single submitter. Criteria: Invitae Variant Classification Sherloc (09022015). Collection method: clinical testing. Allele origin: germline.
Comment: This sequence change replaces arginine with glutamine at codon 445 of the SPATA5 protein (p.Arg445Gln). The arginine residue is highly conserved and there is a small physicochemical difference between arginine and glutamine. This variant also falls at the last nucleotide of exon 7 of the SPATA5 coding sequence, which is part of the consensus splice site for this exon. This variant is present in population databases (rs372616063, ExAC 0.002%). This variant has not been reported in the literature in individuals with SPATA5-related conditions. Algorithms developed to predict the effect of missense changes on protein structure and function (SIFT, PolyPhen-2, Align-GVGD) all suggest that this variant is likely to be tolerated, but these predictions have not been confirmed by published functional studies and their clinical significance is uncertain. Nucleotide substitutions within the consensus splice site are a relatively common cause of aberrant splicing (PMID: 17576681, 9536098). Algorithms developed to predict the effect of sequence changes on RNA splicing suggest that this variant may disrupt the consensus splice site, but this prediction has not been confirmed by published transcriptional studies. In summary, the available evidence is currently insufficient to determine the role of this variant in disease. Therefore, it has been classified as a Variant of Uncertain Significance.

Literature cited by the submitters: PubMed 17576681; PubMed 9536098.

NM_145207.3(AFG2A):c.1334G>A (p.Arg445Gln)

Gene: AFG2A (AFG2 AAA ATPase homolog A; plus strand). Cytogenetic location: 4q28.1.
Variant type: single nucleotide variant.
Coding change: c.1334G>A on transcript NM_145207.3 (MANE Select); coding-DNA position 1334, G replaced by A.
Protein change: p.Arg445Gln; replaces arginine 445 with glutamine.
Molecular consequence: missense variant.
Genome position (GRCh38, 1-based): chr4:122,936,156, G>A. VCF-style: chr4-122936156-G-A. GRCh37 (hg19) VCF-style: chr4-123857311-G-A.
Other names: c.1331G>A, p.Arg444Gln (NM_001317799.2, NM_001345856.2); short protein forms R445Q, R444Q.
Identifiers: ClinVar variation 849195 (VCV000849195.2), dbSNP rs372616063, ClinGen allele CA3070426.